The following is an entry in ClinVar:

ClinVar aggregate classification (germline): Uncertain significance. Review status: criteria provided, multiple submitters, no conflicts (2 of 4 stars). 3 submissions from 3 submitters: Uncertain significance (3). Last evaluated 2024-09-17.

Conditions:
Inborn genetic diseases. Identifiers: MedGen C0950123, MeSH D030342.

gnomAD v4.1: 10 of 1,494,498 alleles (0.00067%); highest among the groups gnomAD compares: East Asian, 0.0058%; no homozygotes.

Submissions (3):

GeneDx
Classification: Uncertain significance. Last evaluated: 2024-09-17. Review status: criteria provided, single submitter. Criteria: GeneDx Variant Classification Process June 2021. Collection method: clinical testing. Allele origin: germline. Affected: yes.
Comment: Not observed at significant frequency in large population cohorts (gnomAD); In silico analysis supports that this missense variant has a deleterious effect on protein structure/function; Has not been previously published as pathogenic or benign to our knowledge

Ambry Genetics
Classification: Uncertain significance for Inborn genetic diseases. Last evaluated: 2024-03-29. Review status: criteria provided, single submitter. Criteria: Ambry Variant Classification Scheme 2023. Collection method: clinical testing. Allele origin: germline.

Labcorp Genetics (formerly Invitae), Labcorp
Classification: Uncertain significance. Last evaluated: 2022-07-06. Review status: criteria provided, single submitter. Criteria: Invitae Variant Classification Sherloc (09022015). Collection method: clinical testing. Allele origin: germline.
Comment: This sequence change replaces proline, which is neutral and non-polar, with leucine, which is neutral and non-polar, at codon 116 of the FAM20C protein (p.Pro116Leu). This variant is not present in population databases (gnomAD no frequency). This variant has not been reported in the literature in individuals affected with FAM20C-related conditions. ClinVar contains an entry for this variant (Variation ID: 1393782). Algorithms developed to predict the effect of missense changes on protein structure and function are either unavailable or do not agree on the potential impact of this missense change (SIFT: "Deleterious"; PolyPhen-2: "Benign"; Align-GVGD: "Class C0"). In summary, the available evidence is currently insufficient to determine the role of this variant in disease. Therefore, it has been classified as a Variant of Uncertain Significance.

NM_020223.4(FAM20C):c.347C>T (p.Pro116Leu)

Gene: FAM20C (FAM20C golgi associated secretory pathway kinase; plus strand). Cytogenetic location: 7p22.3.
Variant type: single nucleotide variant.
Coding change: c.347C>T on transcript NM_020223.4 (MANE Select); coding-DNA position 347, C replaced by T.
Protein change: p.Pro116Leu; replaces proline 116 with leucine.
Molecular consequence: missense variant.
Genome position (GRCh38, 1-based): chr7:193,546, C>T. VCF-style: chr7-193546-C-T. GRCh37 (hg19) VCF-style: chr7-193546-C-T.
Other names: c.347C>T (NM_020223.2, NM_020223.3); short protein forms P116L.
Identifiers: ClinVar variation 1393782 (VCV001393782.6), dbSNP rs764977929, ClinGen allele CA366523439.